The following is an entry in ClinVar:

ClinVar aggregate classification (germline): Uncertain significance (1 of 4 stars; one submission).

Conditions:
Hereditary cancer-predisposing syndrome. Also called: Neoplastic Syndromes, Hereditary; Hereditary neoplastic syndrome; Tumor predisposition; Hereditary Cancer Syndrome. Identifiers: Orphanet 140162, MedGen C0027672, MeSH D009386, MONDO:0015356.

Submission:

Ambry Genetics
Classification: Uncertain significance for Hereditary cancer-predisposing syndrome. Last evaluated: 2026-02-21. Review status: criteria provided, single submitter. Criteria: Ambry Variant Classification Scheme 2023. Collection method: clinical testing. Allele origin: germline.
Comment: The p.F602V variant (also known as c.1804T>G), located in coding exon 9 of the MEN1 gene, results from a T to G substitution at nucleotide position 1804. The phenylalanine at codon 602 is replaced by valine, an amino acid with highly similar properties. This amino acid position is conserved. In addition, this alteration is predicted to be deleterious by in silico analysis. Based on the available evidence, the clinical significance of this variant remains unclear.

NM_001370259.2(MEN1):c.1804T>G (p.Phe602Val)

Gene: MEN1 (menin 1; minus strand). Cytogenetic location: 11q13.1.
Variant type: single nucleotide variant.
Coding change: c.1804T>G on transcript NM_001370259.2 (MANE Select); coding-DNA position 1804, T replaced by G.
Protein change: p.Phe602Val; replaces phenylalanine 602 with valine.
Molecular consequence: missense variant. On other transcripts: non-coding transcript variant (4).
Genome position (GRCh38, 1-based): chr11:64,804,363, A>C on the plus strand (T>G on the coding strand, the complement: MEN1 is on the minus strand). VCF-style: chr11-64804363-A-C. GRCh37 (hg19) VCF-style: chr11-64571835-A-C.
Other names: c.1819T>G, p.Phe607Val (NM_000244.4, NM_130800.3, NM_130801.3 and 4 more transcripts); c.1930T>G, p.Phe644Val (NM_001370251.2, NM_001407142.1, NM_001407143.1 and 1 more transcripts); c.1699T>G, p.Phe567Val (NM_001407148.1, NM_001407149.1, NM_001370262.2 and 1 more transcripts); c.1945T>G, p.Phe649Val (NM_001407150.1); c.1825T>G, p.Phe609Val (NM_001407151.1); c.1639T>G, p.Phe547Val (NM_001407152.1); c.1804T>G, p.Phe602Val (NM_130799.3, NM_001370260.2, NM_001370261.2 and 2 more transcripts); short protein forms F602V, F567V, F649V, F547V, F607V, F609V, F644V.
Identifiers: ClinVar variation 4824023 (VCV004824023.1).
Genomic context (GRCh38, chr11:64,804,363, plus strand): 5'-TCCCCACAAGCGGTCCGAAGTCCCCAGTAGTTCAGAGGCCTTTGCGCTGCCGCTTGAGGA[A>C]AGACAGAGTGTAGTCACTAGGGGTGGACACTTTCTGCTTCTTCATCTGCACTTGCGACTG-3'
Protein context (NP_001357188.2, residues 592-610): VSTPSDYTLS[Phe602Val]LKRQRKGL